The following is an entry in ClinVar:

NM_001323289.2(CDKL5):c.216T>G (p.Ile72Met)

Gene: CDKL5 (cyclin dependent kinase like 5; plus strand). Cytogenetic location: Xp22.13.
Variant type: single nucleotide variant.
Coding change: c.216T>G on transcript NM_001323289.2 (MANE Select); coding-DNA position 216, T replaced by G.
Protein change: p.Ile72Met; replaces isoleucine 72 with methionine.
Molecular consequence: missense variant.
Genome position (GRCh38, 1-based): chrX:18,575,424, T>G. VCF-style: chrX-18575424-T-G. GRCh37 (hg19) VCF-style: chrX-18593544-T-G.
Other names: c.216T>G, p.Ile72Met (NM_001037343.2, NM_003159.3); short protein forms I72M.
Identifiers: ClinVar variation 2627427 (VCV002627427.1), dbSNP rs267608439, ClinGen allele CA412348678.

ClinVar aggregate classification (germline): Uncertain significance (1 of 4 stars; one submission).

Conditions:
Developmental and epileptic encephalopathy, 2 (DEE2). Also called: INFANTILE SPASM SYNDROME, X-LINKED 2; CDKL5 deficiency disorder. Identifiers: Orphanet 1934, Orphanet 3451, Orphanet 505652, MedGen C4750718, MONDO:0010396, OMIM 300672.

Submission:

Neuberg Centre For Genomic Medicine, NCGM
Classification: Uncertain significance for Developmental and epileptic encephalopathy, 2. Review status: criteria provided, single submitter. Criteria: ACMG Guidelines, 2015. Collection method: clinical testing. Allele origin: germline. Inheritance: X-linked dominant inheritance. Affected: yes.
Comment: The missense variant p.I72M in CDKL5 (NM_003159.3) causes a change at the same amino acid residue as a previously established pathogenic variant. Another variant I72T has been reported in an affected patient. The p.I72M variant is novel (not in any individuals) in gnomAD Exomes and is novel (not in any individuals) in 1000 Genomes. In silico tools are predicted to be damaging and the residue is weakly consreved across species. For these reasons, this variant has been classified as Uncertain Significance.